The following is an entry in ClinVar:

ClinVar aggregate classification (germline): Uncertain significance (1 of 4 stars; one submission).

Conditions:
Syndromic X-linked intellectual disability Najm type (MICPCH). Also called: Mental retardation and microcephaly with pontine and cerebellar hypoplasia; MENTAL RETARDATION, X-LINKED, SYNDROMIC, NAJM TYPE; MICPCH SYNDROME; Intellectual developmental disorder and microcephaly with pontine and cerebellar hypoplasia; Intellectual Disability and Microcephaly with Pontine and Cerebellar Hypoplasia; Intellectual Disability and Microcephaly with Pontine and Cerebellar Hypoplasia (MICPCH). Identifiers: Orphanet 163937, MedGen C2677903, MONDO:0010417, OMIM 300749.

Submission:

Victorian Clinical Genetics Services, Murdoch Childrens Research Institute
Classification: Uncertain significance for Syndromic X-linked intellectual disability Najm type. Last evaluated: 2026-07-20. Review status: criteria provided, single submitter. Criteria: ACMG Guidelines, 2015. Collection method: clinical testing. Allele origin: germline. Affected: yes.
Comment: This variant is classified as VUS-3B. Evidence in support of pathogenic classification: This variant is absent from gnomAD v4; Strong phenotype match for this individual; Additional information: Non-coding variant without known or predicted effect; This variant is hemizygous; This gene is associated with X-linked disease; This variant has no previous evidence of pathogenicity; No published evidence of segregation with disease has been identified for this variant; No published functional evidence has been identified for this variant; No comparable variants have previous evidence for pathogenicity; Loss of function is a known mechanism of disease in this gene and is associated with intellectual developmental disorder and microcephaly with pontine and cerebellar hypoplasia (MIM#300749), intellectual disability disorder with or without nystagmus (MIM#300422), and FG syndrome 4 (MIM#300422).

NM_001367721.1(CASK):c.916-3781A>C

Gene: CASK (calcium/calmodulin dependent serine protein kinase; minus strand). Cytogenetic location: Xp11.4.
Variant type: single nucleotide variant.
Coding change: c.916-3781A>C on transcript NM_001367721.1 (MANE Select); 3781 bases into the intron before coding-DNA position 916, A replaced by C.
Molecular consequence: intron variant.
Genome position (GRCh38, 1-based): chrX:41,630,484, T>G on the plus strand (A>C on the coding strand, the complement: CASK is on the minus strand). VCF-style: chrX-41630484-T-G. GRCh37 (hg19) VCF-style: chrX-41489737-T-G.
Other names: c.916-3781A>C (NM_001126055.3, NM_001410745.1, NM_001126054.3 and 1 more transcripts).
Identifiers: ClinVar variation 4879778 (VCV004879778.1).